The following is an entry in ClinVar:

NM_001102401.4(TTI2):c.1117T>C (p.Leu373=)

Gene: TTI2 (TELO2 interacting protein 2; minus strand). Cytogenetic location: 8p12.
Variant type: single nucleotide variant.
Coding change: c.1117T>C on transcript NM_001102401.4 (MANE Select); coding-DNA position 1117, T replaced by C.
Protein change: p.Leu373=; no amino-acid change (leucine 373 retained).
Molecular consequence: synonymous variant.
Genome position (GRCh38, 1-based): chr8:33,503,571, A>G on the plus strand (T>C on the coding strand, the complement: TTI2 is on the minus strand). VCF-style: chr8-33503571-A-G. GRCh37 (hg19) VCF-style: chr8-33361089-A-G.
Other names: c.1117T>C, p.Leu373= (NM_001265581.2, NM_025115.5); c.1024T>C, p.Leu342= (NM_001330505.3).
Identifiers: ClinVar variation 2658531 (VCV002658531.24), dbSNP rs778746953, ClinGen allele CA4707143.

ClinVar aggregate classification (germline): Likely benign (1 of 4 stars; one submission).

Allele frequency attached by ClinVar (database versions not stated): ExAC 0.00002; gnomAD 0.00003; TOPMed 0.00004; gnomAD exomes 0.00007.
gnomAD v4.1: 106 of 1,613,776 alleles (0.0066%); highest among the groups gnomAD compares: Non-Finnish European, 0.0089%; no homozygotes.

Submission:

CeGaT Center for Human Genetics Tuebingen
Classification: Likely benign. Last evaluated: 2022-05-01. Review status: criteria provided, single submitter. Criteria: CeGaT Center For Human Genetics Tuebingen Variant Classification Criteria Version 2. Collection method: clinical testing. Allele origin: germline. Affected: yes. Observed: 1 variant allele.
Comment: TTI2: BP4, BP7